The following is an entry in ClinVar:

ClinVar aggregate classification (germline): Uncertain significance (1 of 4 stars; one submission).

Conditions:
Intellectual disability, autosomal recessive 53 (NEDHSCA). Also called: GLYCOSYLPHOSPHATIDYLINOSITOL BIOSYNTHESIS DEFECT 13; Mental retardation, autosomal recessive 53; NEURODEVELOPMENTAL DISORDER WITH OR WITHOUT HYPOTONIA, SEIZURES, AND CEREBELLAR ATROPHY. Identifiers: Orphanet 488635, MedGen C4310794, MONDO:0014832, OMIM 616917.

gnomAD v4.1: 1 of 1,602,680 alleles (0.000062%); highest among the groups gnomAD compares: Non-Finnish European, 0.000085%; no homozygotes.

Submission:

Labcorp Genetics (formerly Invitae), Labcorp
Classification: Uncertain significance for Intellectual disability, autosomal recessive 53. Last evaluated: 2024-01-22. Review status: criteria provided, single submitter. Criteria: Invitae Variant Classification Sherloc (09022015). Collection method: clinical testing. Allele origin: germline.
Comment: This sequence change replaces arginine, which is basic and polar, with leucine, which is neutral and non-polar, at codon 666 of the PIGG protein (p.Arg666Leu). This variant is not present in population databases (gnomAD no frequency). This variant has not been reported in the literature in individuals affected with PIGG-related conditions. ClinVar contains an entry for this variant (Variation ID: 1433545). Advanced modeling of protein sequence and biophysical properties (such as structural, functional, and spatial information, amino acid conservation, physicochemical variation, residue mobility, and thermodynamic stability) performed at Invitae indicates that this missense variant is expected to disrupt PIGG protein function with a positive predictive value of 80%. In summary, the available evidence is currently insufficient to determine the role of this variant in disease. Therefore, it has been classified as a Variant of Uncertain Significance.

NM_001127178.3(PIGG):c.1997G>T (p.Arg666Leu)

Gene: PIGG (phosphatidylinositol glycan anchor biosynthesis class G (EMM blood group); plus strand). Cytogenetic location: 4p16.3.
Variant type: single nucleotide variant.
Coding change: c.1997G>T on transcript NM_001127178.3 (MANE Select); coding-DNA position 1997, G replaced by T.
Protein change: p.Arg666Leu; replaces arginine 666 with leucine.
Molecular consequence: missense variant. On other transcripts: non-coding transcript variant (6).
Genome position (GRCh38, 1-based): chr4:523,841, G>T. VCF-style: chr4-523841-G-T. GRCh37 (hg19) VCF-style: chr4-517630-G-T.
Other names: c.1730G>T, p.Arg577Leu (NM_001289051.2, NM_001345986.2); c.1598G>T, p.Arg533Leu (NM_001289052.2); c.1706G>T, p.Arg569Leu (NM_001345987.2); c.968G>T, p.Arg323Leu (NM_001345988.2); c.464G>T, p.Arg155Leu (NM_001345990.2, NM_001345991.2); c.899G>T, p.Arg300Leu (NM_001345994.2); c.1973G>T, p.Arg658Leu (NM_017733.5); short protein forms R300L, R323L, R658L, R666L, R155L, R569L, R533L, R577L.
Identifiers: ClinVar variation 1433545 (VCV001433545.8), dbSNP rs1162996177, ClinGen allele CA355907929.